The following is an entry in ClinVar:

NM_005901.6(SMAD2):c.961C>T (p.Arg321Ter)

Gene: SMAD2 (SMAD family member 2; minus strand). Cytogenetic location: 18q21.1.
Variant type: single nucleotide variant.
Coding change: c.961C>T on transcript NM_005901.6 (MANE Select); coding-DNA position 961, C replaced by T.
Protein change: p.Arg321Ter; replaces arginine 321 with a stop codon.
Molecular consequence: nonsense.
Genome position (GRCh38, 1-based): chr18:47,848,511, G>A on the plus strand (C>T on the coding strand, the complement: SMAD2 is on the minus strand). VCF-style: chr18-47848511-G-A. GRCh37 (hg19) VCF-style: chr18-45374882-G-A.
Other names: c.961C>T, p.Arg321Ter (NM_001003652.4); c.871C>T, p.Arg291Ter (NM_001135937.3); c.961C>T (NM_005901.5); short protein forms R291*, R321*.
Identifiers: ClinVar variation 2846439 (VCV002846439.6), dbSNP rs776149698, ClinGen allele CA8956111.

ClinVar aggregate classification (germline): Pathogenic/Likely pathogenic. Review status: criteria provided, multiple submitters, no conflicts (2 of 4 stars). 3 submissions from 3 submitters: Pathogenic (2); Likely pathogenic (1). Last evaluated 2026-09-30.

Conditions:
Loeys-Dietz syndrome (LDS). Identifiers: Orphanet 60030, MedGen C2697932, MONDO:0018954.

Allele frequency attached by ClinVar (database versions not stated): ExAC 0.00002; gnomAD exomes below 0.00001.
gnomAD v4.1: 2 of 1,613,726 alleles (0.00012%); no homozygotes.

Submissions (3):

GeneDx
Classification: Likely pathogenic. Last evaluated: 2026-09-30. Review status: criteria provided, single submitter. Criteria: GeneDx Variant Classification Process June 2021. Collection method: clinical testing. Allele origin: germline.
Comment: Nonsense variant predicted to result in protein truncation or nonsense mediated decay in a gene for which loss of function is a known mechanism of disease; Not observed at significant frequency in large population cohorts (gnomAD); Has not been previously published as pathogenic or benign to our knowledge

Women's Health and Genetics/Laboratory Corporation of America, LabCorp
Classification: Pathogenic for Loeys-Dietz syndrome. Last evaluated: 2025-12-01. Review status: criteria provided, single submitter. Criteria: LabCorp Variant Classification Summary - May 2015. Collection method: clinical testing. Allele origin: germline.
Comment: Variant summary: SMAD2 c.961C>T (p.Arg321X) results in a premature termination codon, predicted to cause a truncation of the encoded protein or absence of the protein due to nonsense mediated decay, which are commonly known mechanisms for disease. The variant allele was found at a frequency of 8e-06 in 251444 control chromosomes. To our knowledge, no occurrence of c.961C>T in individuals affected with SMAD2-related conditions and no experimental evidence demonstrating its impact on protein function have been reported. ClinVar contains an entry for this variant (Variation ID: 2846439). Based on the evidence outlined above, the variant was classified as pathogenic.

Labcorp Genetics (formerly Invitae), Labcorp
Classification: Pathogenic. Last evaluated: 2025-10-07. Review status: criteria provided, single submitter. Criteria: Invitae Variant Classification Sherloc (09022015). Collection method: clinical testing. Allele origin: germline.
Comment: This sequence change creates a premature translational stop signal (p.Arg321*) in the SMAD2 gene. It is expected to result in an absent or disrupted protein product. Loss-of-function variants in SMAD2 are known to be pathogenic (PMID: 30157302, 40028843). This variant is present in population databases (rs776149698, gnomAD 0.01%). This variant has not been reported in the literature in individuals affected with SMAD2-related conditions. ClinVar contains an entry for this variant (Variation ID: 2846439). For these reasons, this variant has been classified as Pathogenic.

Literature cited by the submitters: PubMed 30157302 (cited by Labcorp Genetics (formerly Invitae), Labcorp); PubMed 40028843 (cited by Labcorp Genetics (formerly Invitae), Labcorp).